The following is an entry in ClinVar:

NM_000094.4(COL7A1):c.1132G>A (p.Gly378Ser)

Gene: COL7A1 (collagen type VII alpha 1 chain; minus strand). Cytogenetic location: 3p21.31.
Variant type: single nucleotide variant.
Coding change: c.1132G>A on transcript NM_000094.4 (MANE Select); coding-DNA position 1132, G replaced by A.
Protein change: p.Gly378Ser; replaces glycine 378 with serine.
Molecular consequence: missense variant.
Genome position (GRCh38, 1-based): chr3:48,592,210, C>T on the plus strand (G>A on the coding strand, the complement: COL7A1 is on the minus strand). VCF-style: chr3-48592210-C-T. GRCh37 (hg19) VCF-style: chr3-48629643-C-T.
Other names: short protein forms G378S.
Identifiers: ClinVar variation 1383291 (VCV001383291.6), dbSNP rs765113230, ClinGen allele CA352738039.
Genomic context (GRCh38, chr3:48,592,210, plus strand): 5'-GGGTGCTCACGGTCACCTCATAGTCCGTGCCAGGCTCCAAGTCACGCAGCAACACTGAAC[C>T]CTGCCCAGGGCCCAGCTCCTGCTGCTGTGTGGGCCCACCTGCATGGGGGACACCAAGGGG-3'
Protein context (NP_000085.1, residues 368-388): TQQQELGPGQ[Gly378Ser]SVLLRDLEPG

ClinVar aggregate classification (germline): Uncertain significance (1 of 4 stars; one submission).

gnomAD v4.1: 1 of 1,614,000 alleles (0.000062%); highest among the groups gnomAD compares: Non-Finnish European, 0.000085%; no homozygotes.

Submission:

Labcorp Genetics (formerly Invitae), Labcorp
Classification: Uncertain significance. Last evaluated: 2021-12-24. Review status: criteria provided, single submitter. Criteria: Invitae Variant Classification Sherloc (09022015). Collection method: clinical testing. Allele origin: germline.
Comment: In summary, the available evidence is currently insufficient to determine the role of this variant in disease. Therefore, it has been classified as a Variant of Uncertain Significance. Advanced modeling of protein sequence and biophysical properties (such as structural, functional, and spatial information, amino acid conservation, physicochemical variation, residue mobility, and thermodynamic stability) performed at Invitae indicates that this missense variant is not expected to disrupt COL7A1 protein function. This sequence change replaces glycine, which is neutral and non-polar, with serine, which is neutral and polar, at codon 378 of the COL7A1 protein (p.Gly378Ser). This variant is not present in population databases (gnomAD no frequency). This variant has not been reported in the literature in individuals affected with COL7A1-related conditions.